The following is an entry in ClinVar:

ClinVar aggregate classification (germline): Uncertain significance. Review status: criteria provided, multiple submitters, no conflicts (2 of 4 stars). 2 submissions from 2 submitters: Uncertain significance (2). Last evaluated 2025-06-07.

Conditions:
Hereditary cancer-predisposing syndrome. Also called: Tumor predisposition; Neoplastic Syndromes, Hereditary; Hereditary neoplastic syndrome; Hereditary Cancer Syndrome. Identifiers: Orphanet 140162, MedGen C0027672, MeSH D009386, MONDO:0015356.
Fanconi anemia (FA). Also called: Fanconi's anemia. Identifiers: Orphanet 84, MedGen C0015625, MeSH D005199, MONDO:0019391.

Allele frequency attached by ClinVar (database versions not stated): gnomAD exomes below 0.00001.
gnomAD v4.1: 1 of 1,614,108 alleles (0.000062%); highest among the groups gnomAD compares: Admixed American, 0.0017%; no homozygotes.

Submissions (2):

Ambry Genetics
Classification: Uncertain significance for Hereditary cancer-predisposing syndrome. Last evaluated: 2025-06-07. Review status: criteria provided, single submitter. Criteria: Ambry Variant Classification Scheme 2023. Collection method: clinical testing. Allele origin: germline.
Comment: The p.S345F variant (also known as c.1034C>T), located in coding exon 10 of the FANCC gene, results from a C to T substitution at nucleotide position 1034. The serine at codon 345 is replaced by phenylalanine, an amino acid with highly dissimilar properties. This amino acid position is conserved. In addition, this alteration is predicted to be tolerated by in silico analysis. Based on the available evidence, the clinical significance of this variant remains unclear.

Labcorp Genetics (formerly Invitae), Labcorp
Classification: Uncertain significance for Fanconi anemia. Last evaluated: 2020-09-16. Review status: criteria provided, single submitter. Criteria: Invitae Variant Classification Sherloc (09022015). Collection method: clinical testing. Allele origin: germline.
Comment: In summary, the available evidence is currently insufficient to determine the role of this variant in disease. Therefore, it has been classified as a Variant of Uncertain Significance. Algorithms developed to predict the effect of missense changes on protein structure and function are either unavailable or do not agree on the potential impact of this missense change (SIFT: "Tolerated"; PolyPhen-2: "Probably Damaging"; Align-GVGD: "Class C0"). This variant has not been reported in the literature in individuals with FANCC-related conditions. This variant is not present in population databases (ExAC no frequency). This sequence change replaces serine with phenylalanine at codon 345 of the FANCC protein (p.Ser345Phe). The serine residue is weakly conserved and there is a large physicochemical difference between serine and phenylalanine.

NM_000136.3(FANCC):c.1034C>T (p.Ser345Phe)

Genes: AOPEP (aminopeptidase O (putative); plus strand), FANCC (FA complementation group C; minus strand). Cytogenetic location: 9q22.32.
Variant type: single nucleotide variant.
Coding change: c.1034C>T on transcript NM_000136.3 (MANE Select); coding-DNA position 1034, C replaced by T.
Protein change: p.Ser345Phe; replaces serine 345 with phenylalanine.
Molecular consequence: missense variant.
Genome position (GRCh38, 1-based): chr9:95,117,353, G>A on the plus strand (C>T on the coding strand, the complement: FANCC is on the minus strand). VCF-style: chr9-95117353-G-A. GRCh37 (hg19) VCF-style: chr9-97879635-G-A.
Other names: c.1034C>T, p.Ser345Phe (NM_001243743.2, NM_001243744.2); c.1034C>T (NM_000136.2); short protein forms S345F.
Identifiers: ClinVar variation 1018384 (VCV001018384.9), dbSNP rs1348320350, ClinGen allele CA374108163.